The following is an entry in ClinVar:

ClinVar aggregate classification (germline): Uncertain significance (1 of 4 stars; one submission).

Allele frequency attached by ClinVar (database versions not stated): gnomAD exomes below 0.00001; ExAC 0.00001.
gnomAD v4.1: 8 of 1,614,072 alleles (0.0005%); highest among the groups gnomAD compares: Non-Finnish European, 0.00051%; no homozygotes.

Submission:

Labcorp Genetics (formerly Invitae), Labcorp
Classification: Uncertain significance. Last evaluated: 2022-07-19. Review status: criteria provided, single submitter. Criteria: Invitae Variant Classification Sherloc (09022015). Collection method: clinical testing. Allele origin: germline.
Comment: This sequence change replaces valine, which is neutral and non-polar, with methionine, which is neutral and non-polar, at codon 280 of the P3H2 protein (p.Val280Met). In summary, the available evidence is currently insufficient to determine the role of this variant in disease. Therefore, it has been classified as a Variant of Uncertain Significance. Algorithms developed to predict the effect of missense changes on protein structure and function are either unavailable or do not agree on the potential impact of this missense change (SIFT: "Deleterious"; PolyPhen-2: "Possibly Damaging"; Align-GVGD: "Class C0"). This variant has not been reported in the literature in individuals affected with P3H2-related conditions. This variant is present in population databases (rs751848270, gnomAD 0.0009%).

NM_018192.4(P3H2):c.838G>A (p.Val280Met)

Gene: P3H2 (prolyl 3-hydroxylase 2; minus strand). Cytogenetic location: 3q28.
Variant type: single nucleotide variant.
Coding change: c.838G>A on transcript NM_018192.4 (MANE Select); coding-DNA position 838, G replaced by A.
Protein change: p.Val280Met; replaces valine 280 with methionine.
Molecular consequence: missense variant.
Genome position (GRCh38, 1-based): chr3:189,989,024, C>T on the plus strand (G>A on the coding strand, the complement: P3H2 is on the minus strand). VCF-style: chr3-189989024-C-T. GRCh37 (hg19) VCF-style: chr3-189706813-C-T.
Other names: c.295G>A, p.Val99Met (NM_001134418.2); short protein forms V280M, V99M.
Identifiers: ClinVar variation 2164102 (VCV002164102.4), dbSNP rs751848270, ClinGen allele CA2753195.